The following is an entry in ClinVar:

ClinVar aggregate classification (germline): Uncertain significance (1 of 4 stars; one submission).

Allele frequency attached by ClinVar (database versions not stated): gnomAD 0.00001; TOPMed 0.00001.
gnomAD v4.1: 3 of 1,613,872 alleles (0.00019%); highest among the groups gnomAD compares: South Asian, 0.0011%; no homozygotes.

Submission:

Women's Health and Genetics/Laboratory Corporation of America, LabCorp
Classification: Uncertain significance. Last evaluated: 2024-04-18. Review status: criteria provided, single submitter. Criteria: LabCorp Variant Classification Summary - May 2015. Collection method: clinical testing. Allele origin: germline.
Comment: Variant summary: CHAMP1 c.919G>C (p.Val307Leu) results in a conservative amino acid change in the encoded protein sequence. Four of five in-silico tools predict a benign effect of the variant on protein function. The variant allele was found at a frequency of 4e-06 in 251298 control chromosomes (gnomAD). The available data on variant occurrences in the general population are insufficient to allow any conclusion about variant significance. To our knowledge, no occurrence of c.919G>C in individuals affected with Intellectual Disability, Autosomal Dominant 40 and no experimental evidence demonstrating its impact on protein function have been reported. No submitters have cited clinical-significance assessments for this variant to ClinVar. Based on the evidence outlined above, the variant was classified as uncertain significance.

NM_032436.4(CHAMP1):c.919G>C (p.Val307Leu)

Gene: CHAMP1 (chromosome alignment maintaining phosphoprotein 1; plus strand). Cytogenetic location: 13q34.
Variant type: single nucleotide variant.
Coding change: c.919G>C on transcript NM_032436.4 (MANE Select); coding-DNA position 919, G replaced by C.
Protein change: p.Val307Leu; replaces valine 307 with leucine.
Molecular consequence: missense variant.
Genome position (GRCh38, 1-based): chr13:114,324,761, G>C. VCF-style: chr13-114324761-G-C. GRCh37 (hg19) VCF-style: chr13-115090236-G-C.
Other names: c.919G>C, p.Val307Leu (NM_001164144.3, NM_001164145.3); short protein forms V307L.
Identifiers: ClinVar variation 3251884 (VCV003251884.1), dbSNP rs1425647602.
Genomic context (GRCh38, chr13:114,324,761, plus strand): 5'-CCTGAACCTTGGAAGCCGTTCCCTGCTGTCTCCCCAGAGCCTAGGAGACCAGCCCCCGCT[G>C]TGTCACCAGGCTCTTGGAAACCAGGGCCACCTGGGTCCCCTAGGCCTTGGAAATCCAATC-3'
Protein context (NP_115812.1, residues 297-317): SPEPRRPAPA[Val307Leu]SPGSWKPGPP